The following is an entry in ClinVar:

NM_015215.4(CAMTA1):c.4435_4443del (p.Val1479_Glu1481del)

Gene: CAMTA1 (calmodulin binding transcription activator 1; plus strand). Cytogenetic location: 1p36.23.
Variant type: Deletion.
Coding change: c.4435_4443del on transcript NM_015215.4 (MANE Select); coding-DNA positions 4435 to 4443, 9 bases deleted (GTCAGTGAA; older notation c.4435_4443delGTCAGTGAA).
Protein change: p.Val1479_Glu1481del.
Molecular consequence: inframe deletion.
Genome position (GRCh38, 1-based): chr1:7,745,909-7,745,917, GTCAGTGAA deleted. VCF-style (leftmost placement, unchanged base first): chr1-7745908-CGTCAGTGAA-C. GRCh37 (hg19) VCF-style: chr1-7805968-CGTCAGTGAA-C.
Other names: c.4345_4353del, p.Val1449_Glu1451del (NM_001349608.2); c.4096_4104del, p.Val1366_Glu1368del (NM_001349609.2, NM_001349610.2, NM_001410737.1); c.4006_4014del, p.Val1336_Glu1338del (NM_001349612.2); c.1564_1572del, p.Val522_Glu524del (NM_001349613.1); c.1507_1515del, p.Val503_Glu505del (NM_001349614.1, NM_001349615.2, NM_001349616.2 and 2 more transcripts); c.1168_1176del, p.Val390_Glu392del (NM_001349619.2, NM_001349620.1, NM_001349621.1 and 5 more transcripts); c.4024_4032del, p.Val1342_Glu1344del (NM_001410738.1).
Identifiers: ClinVar variation 5020000 (VCV005020000.1).
Genomic context (GRCh38, chr1:7,745,908, plus strand): 5'-TGCATATAACGAGCCTCTAACCCCTTCTTCTAATACCAGCTTGAGCCCTGTTGGCTCTCC[CGTCAGTGAA>C]ATCGCTTTCGAGAAACCTAACCTTCCCTCCGCCGCGGATTGGTCAGAATTCCTGAGTGCA-3'

ClinVar aggregate classification (germline): Uncertain significance (1 of 4 stars; one submission).

Conditions:
Cerebellar dysfunction with variable cognitive and behavioral abnormalities (CECBA). Also called: Nonprogressive cerebellar atxia with intellectual disability. Identifiers: Orphanet 314647, MedGen C3553661, MONDO:0013886, OMIM 614756.

Submission:

Juno Genomics, Hangzhou Juno Genomics, Inc
Classification: Uncertain significance for Cerebellar dysfunction with variable cognitive and behavioral abnormalities. Review status: criteria provided, single submitter. Criteria: ACMG Guidelines, 2015. Collection method: clinical testing. Allele origin: germline. Affected: yes.
Comment: Absent from controls (or at extremely low frequency if recessive) in Genome Aggregation Database.;Protein length changes due to in-frame deletions/insertions in a non-repeat region or stop-loss variants.